The following is an entry in ClinVar:

ClinVar aggregate classification (germline): Uncertain significance (1 of 4 stars; one submission).

Submission:

CeGaT Center for Human Genetics Tuebingen
Classification: Uncertain significance. Last evaluated: 2023-03-01. Review status: criteria provided, single submitter. Criteria: CeGaT Center For Human Genetics Tuebingen Variant Classification Criteria Version 2. Collection method: clinical testing. Allele origin: germline. Affected: yes. Observed: 1 variant allele.
Comment: GRIN1: PM2, PP2

NM_007327.4(GRIN1):c.2051T>C (p.Val684Ala)

Gene: GRIN1 (glutamate ionotropic receptor NMDA type subunit 1; plus strand). Cytogenetic location: 9q34.3.
Variant type: single nucleotide variant.
Coding change: c.2051T>C on transcript NM_007327.4 (MANE Select); coding-DNA position 2051, T replaced by C.
Protein change: p.Val684Ala; replaces valine 684 with alanine.
Molecular consequence: missense variant.
Genome position (GRCh38, 1-based): chr9:137,162,883, T>C. VCF-style: chr9-137162883-T-C. GRCh37 (hg19) VCF-style: chr9-140057335-T-C.
Other names: c.2051T>C, p.Val684Ala (NM_000832.7, NM_021569.4); c.2114T>C, p.Val705Ala (NM_001185090.2, NM_001185091.2); short protein forms V684A, V705A.
Identifiers: ClinVar variation 2499115 (VCV002499115.28), dbSNP rs2538642803, ClinGen allele CA375721964.